The following is an entry in ClinVar:

NM_003907.3(EIF2B5):c.439_442del (p.Asp147fs)

Gene: EIF2B5 (eukaryotic translation initiation factor 2B subunit epsilon; plus strand). Cytogenetic location: 3q27.1.
Variant type: Deletion.
Coding change: c.439_442del on transcript NM_003907.3 (MANE Select); coding-DNA positions 439 to 442, 4 bases deleted (GACT; older notation c.439_442delGACT).
Protein change: p.Asp147fs; shifts the reading frame from aspartic acid 147.
Molecular consequence: frameshift variant.
Genome position (GRCh38, 1-based): chr3:184,137,738-184,137,741, GACT deleted; deleting any 4 consecutive bases within chr3:184,137,736-184,137,741 gives the same sequence; the c. name uses the placement nearest the transcript's 3' end. VCF-style (leftmost placement, unchanged base first): chr3-184137735-TCTGA-T. GRCh37 (hg19) VCF-style: chr3-183855523-TCTGA-T.
Other names: c.439_442delGACT (NM_003907.2); short protein forms D147fs.
Identifiers: ClinVar variation 2780992 (VCV002780992.4), dbSNP rs1257235824, ClinGen allele CA548793902.

ClinVar aggregate classification (germline): Pathogenic/Likely pathogenic. Review status: criteria provided, multiple submitters, no conflicts (2 of 4 stars). 2 submissions from 2 submitters: Pathogenic (1); Likely pathogenic (1). Last evaluated 2024-12-08.

Conditions:
Vanishing white matter disease. Also called: CACH syndrome; Childhood ataxia with diffuse central nervous system hypomyelination; Leukoencephalopathy with vanishing white matter; CACH/VWM syndrome; Cree leukoencehalopathy. Identifiers: Orphanet 135, Orphanet 99853, MedGen C1858991, MONDO:0800448.

Submissions (2):

Natera, Inc.
Classification: Likely pathogenic for Leukoencephalopathy with vanishing white matter. Last evaluated: 2024-12-08. Review status: criteria provided, single submitter. Criteria: Natera Variant Classification Schema (03/2026). Collection method: clinical testing. Allele origin: germline.
Comment: The c.439_442delGACT variant in EIF2B5 is a frameshift variant predicted to shift the reading frame beginning at codon 147 and leads to a stop codon 23 codons downstream. This variant is expected to result in nonsense mediated decay, truncation, or a dysfunctional protein product. This variant is rare in the general population with a frequency below the threshold expected for the associated phenotype(s). Given the available evidence, this variant is classified as Likely Pathogenic.

Labcorp Genetics (formerly Invitae), Labcorp
Classification: Pathogenic. Last evaluated: 2023-08-30. Review status: criteria provided, single submitter. Criteria: Invitae Variant Classification Sherloc (09022015). Collection method: clinical testing. Allele origin: germline.
Comment: This sequence change creates a premature translational stop signal (p.Asp147Phefs*23) in the EIF2B5 gene. It is expected to result in an absent or disrupted protein product. Loss-of-function variants in EIF2B5 are known to be pathogenic (PMID: 11704758, 15060152, 21307862). This variant is present in population databases (no rsID available, gnomAD 0.006%). This variant has not been reported in the literature in individuals affected with EIF2B5-related conditions. For these reasons, this variant has been classified as Pathogenic.

Literature cited by the submitters: PubMed 11704758 (cited by Labcorp Genetics (formerly Invitae), Labcorp); PubMed 15060152 (cited by Labcorp Genetics (formerly Invitae), Labcorp); PubMed 21307862 (cited by Labcorp Genetics (formerly Invitae), Labcorp).